The following is an entry in ClinVar:

NM_001927.4(DES):c.298G>A (p.Glu100Lys)

Gene: DES (desmin; plus strand). Cytogenetic location: 2q35.
Variant type: single nucleotide variant.
Coding change: c.298G>A on transcript NM_001927.4 (MANE Select); coding-DNA position 298, G replaced by A.
Protein change: p.Glu100Lys; replaces glutamic acid 100 with lysine.
Molecular consequence: missense variant.
Genome position (GRCh38, 1-based): chr2:219,418,760, G>A. VCF-style: chr2-219418760-G-A. GRCh37 (hg19) VCF-style: chr2-220283482-G-A.
Other names: short protein forms E100K.
Identifiers: ClinVar variation 835992 (VCV000835992.10), dbSNP rs1434605523, ClinGen allele CA350685014.

ClinVar aggregate classification (germline): Uncertain significance (1 of 4 stars; one submission).

Conditions:
Desmin-related myofibrillar myopathy (MFM1). Also called: MYOFIBRILLAR MYOPATHY WITH ARRHYTHMOGENIC RIGHT VENTRICULAR CARDIOMYOPATHY; DESMIN-RELATED MYOPATHY WITH ARRHYTHMOGENIC RIGHT VENTRICULAR CARDIOMYOPATHY; Desminopathy; Desmin related myopathy (former name); Desmin storage myopathy (former name); Myofibrillar myopathy 1. Identifiers: Orphanet 363543, Orphanet 98909, MedGen C1832370, MONDO:0011076, OMIM 601419.

Allele frequency attached by ClinVar (database versions not stated): gnomAD 0.00001; TOPMed 0.00001.
gnomAD v4.1: 9 of 1,562,532 alleles (0.00058%); highest among the groups gnomAD compares: Non-Finnish European, 0.00078%; no homozygotes.

Submission:

Labcorp Genetics (formerly Invitae), Labcorp
Classification: Uncertain significance for Desmin-related myofibrillar myopathy. Last evaluated: 2022-07-19. Review status: criteria provided, single submitter. Criteria: Invitae Variant Classification Sherloc (09022015). Collection method: clinical testing. Allele origin: germline.
Comment: ClinVar contains an entry for this variant (Variation ID: 835992). This variant has not been reported in the literature in individuals affected with DES-related conditions. This variant is not present in population databases (gnomAD no frequency). This sequence change replaces glutamic acid, which is acidic and polar, with lysine, which is basic and polar, at codon 100 of the DES protein (p.Glu100Lys). Algorithms developed to predict the effect of missense changes on protein structure and function are either unavailable or do not agree on the potential impact of this missense change (SIFT: "Deleterious"; PolyPhen-2: "Probably Damaging"; Align-GVGD: "Class C0"). In summary, the available evidence is currently insufficient to determine the role of this variant in disease. Therefore, it has been classified as a Variant of Uncertain Significance.